The following is an entry in ClinVar:

ClinVar aggregate classification (germline): Likely pathogenic (1 of 4 stars; one submission).

Conditions:
Bardet-Biedl syndrome (BBS). Identifiers: Orphanet 110, MedGen C0752166, MONDO:0015229.

Submission:

Labcorp Genetics (formerly Invitae), Labcorp
Classification: Likely pathogenic for Bardet-Biedl syndrome. Last evaluated: 2021-06-23. Review status: criteria provided, single submitter. Criteria: Invitae Variant Classification Sherloc (09022015). Collection method: clinical testing. Allele origin: germline.
Comment: This sequence change affects a donor splice site in intron 7 of the BBS2 gene. It is expected to disrupt RNA splicing. Variants that disrupt the donor or acceptor splice site typically lead to a loss of protein function (PMID: 16199547), and loss-of-function variants in BBS2 are known to be pathogenic (PMID: 11285252, 20177705, 24608809, 26518167). This variant is not present in population databases (ExAC no frequency). This variant has not been reported in the literature in individuals with BBS2-related conditions. Algorithms developed to predict the effect of sequence changes on RNA splicing suggest that this variant may disrupt the consensus splice site, but this prediction has not been confirmed by published transcriptional studies. In summary, the currently available evidence indicates that the variant is pathogenic, but additional data are needed to prove that conclusively. Therefore, this variant has been classified as Likely Pathogenic.

Literature cited by the submitters: PubMed 16199547; PubMed 11285252; PubMed 20177705; PubMed 24608809; PubMed 26518167.

NM_031885.5(BBS2):c.804+1G>T

Gene: BBS2 (Bardet-Biedl syndrome 2; minus strand). Cytogenetic location: 16q13.
Variant type: single nucleotide variant.
Coding change: c.804+1G>T on transcript NM_031885.5 (MANE Select); the canonical splice donor site of the intron after coding-DNA position 804, G replaced by T.
Molecular consequence: splice donor variant.
Genome position (GRCh38, 1-based): chr16:56,505,949, C>A on the plus strand (G>T on the coding strand, the complement: BBS2 is on the minus strand). VCF-style: chr16-56505949-C-A. GRCh37 (hg19) VCF-style: chr16-56539861-C-A.
Other names: c.804+1G>T (NM_001377456.1).
Identifiers: ClinVar variation 1521580 (VCV001521580.8), dbSNP rs2144162056, ClinGen allele CA395982540.